The following is an entry in ClinVar:

NM_002075.4(GNB3):c.788G>C (p.Cys263Ser)

Genes: CDCA3 (cell division cycle associated 3; minus strand), GNB3 (G protein subunit beta 3; plus strand). Cytogenetic location: 12p13.31.
Variant type: single nucleotide variant.
Coding change: c.788G>C on transcript NM_002075.4 (MANE Select); coding-DNA position 788, G replaced by C.
Protein change: p.Cys263Ser; replaces cysteine 263 with serine.
Molecular consequence: missense variant. On other transcripts: 3 prime UTR variant (1).
Genome position (GRCh38, 1-based): chr12:6,845,674, G>C. VCF-style: chr12-6845674-G-C. GRCh37 (hg19) VCF-style: chr12-6954838-G-C.
Other names: c.785G>C, p.Cys262Ser (NM_001297571.2); c.*1114C>G (NM_001297603.3); short protein forms C262S, C263S.
Identifiers: ClinVar variation 939367 (VCV000939367.8), dbSNP rs1555124493, ClinGen allele CA383674901.

ClinVar aggregate classification (germline): Uncertain significance (1 of 4 stars; one submission).

Allele frequency attached by ClinVar (database versions not stated): TOPMed below 0.00001.

Submission:

Labcorp Genetics (formerly Invitae), Labcorp
Classification: Uncertain significance. Last evaluated: 2023-08-10. Review status: criteria provided, single submitter. Criteria: Invitae Variant Classification Sherloc (09022015). Collection method: clinical testing. Allele origin: germline.
Comment: In summary, the available evidence is currently insufficient to determine the role of this variant in disease. Therefore, it has been classified as a Variant of Uncertain Significance. Advanced modeling of protein sequence and biophysical properties (such as structural, functional, and spatial information, amino acid conservation, physicochemical variation, residue mobility, and thermodynamic stability) performed at Invitae indicates that this missense variant is not expected to disrupt GNB3 protein function. ClinVar contains an entry for this variant (Variation ID: 939367). This variant has not been reported in the literature in individuals affected with GNB3-related conditions. This variant is not present in population databases (gnomAD no frequency). This sequence change replaces cysteine, which is neutral and slightly polar, with serine, which is neutral and polar, at codon 263 of the GNB3 protein (p.Cys263Ser).